The following is an entry in ClinVar:

ClinVar aggregate classification (germline): Uncertain significance (1 of 4 stars; one submission).

Submission:

CeGaT Center for Human Genetics Tuebingen
Classification: Uncertain significance. Last evaluated: 2026-05-01. Review status: criteria provided, single submitter. Criteria: CeGaT Center For Human Genetics Tuebingen Variant Classification Criteria Version 2. Collection method: clinical testing. Allele origin: germline. Affected: yes. Observed: 1 variant allele.
Comment: OPA3: PM2

NM_001017989.3(OPA3):c.238G>A (p.Gly80Ser)

Genes: OPA3 (outer mitochondrial membrane lipid metabolism regulator OPA3; minus strand), OPA3-RTN2 (OPA3-RTN2 readthrough; minus strand). Cytogenetic location: 19q13.32.
Variant type: single nucleotide variant.
Coding change: c.238G>A on transcript NM_001017989.3; coding-DNA position 238, G replaced by A.
Protein change: p.Gly80Ser; replaces glycine 80 with serine.
Molecular consequence: missense variant.
Genome position (GRCh38, 1-based): chr19:45,529,361, C>T on the plus strand (G>A on the coding strand, the complement: OPA3 is on the minus strand). VCF-style: chr19-45529361-C-T. GRCh37 (hg19) VCF-style: chr19-46032619-C-T.
Other names: short protein forms G80S.
Identifiers: ClinVar variation 4874998 (VCV004874998.2).
Genomic context (GRCh38, chr19:45,529,361, plus strand): 5'-CCAGCATCAGGCAGCTGCAGGCGGTGATGAAGATGATGCCCTCGCCCAGCAGCTCCGCGC[C>T]CAGCTCGGCGGCTGCACCCTCGTTCAGCGGCTTGATGGCAGCGGCATTGAAACCCATGAT-3'